The following is an entry in ClinVar:

ClinVar aggregate classification (germline): Uncertain significance (1 of 4 stars; one submission).

gnomAD v4.1: 9 of 1,551,546 alleles (0.00058%); highest among the groups gnomAD compares: East Asian, 0.0024%; no homozygotes.

Submission:

Labcorp Genetics (formerly Invitae), Labcorp
Classification: Uncertain significance. Last evaluated: 2021-09-17. Review status: criteria provided, single submitter. Criteria: Invitae Variant Classification Sherloc (09022015). Collection method: clinical testing. Allele origin: germline.
Comment: This sequence change replaces valine with phenylalanine at codon 257 of the KPNA7 protein (p.Val257Phe). The valine residue is weakly conserved and there is a small physicochemical difference between valine and phenylalanine. This variant is not present in population databases (ExAC no frequency). This variant has not been reported in the literature in individuals with KPNA7-related conditions. Algorithms developed to predict the effect of missense changes on protein structure and function are either unavailable or do not agree on the potential impact of this missense change (SIFT: "Deleterious"; PolyPhen-2: "Possibly Damaging"; Align-GVGD: "Class C0"). In summary, the available evidence is currently insufficient to determine the role of this variant in disease. Therefore, it has been classified as a Variant of Uncertain Significance.

NM_001145715.3(KPNA7):c.769G>T (p.Val257Phe)

Gene: KPNA7 (karyopherin subunit alpha 7; minus strand). Cytogenetic location: 7q22.1.
Variant type: single nucleotide variant.
Coding change: c.769G>T on transcript NM_001145715.3 (MANE Select); coding-DNA position 769, G replaced by T.
Protein change: p.Val257Phe; replaces valine 257 with phenylalanine.
Molecular consequence: missense variant.
Genome position (GRCh38, 1-based): chr7:99,188,431, C>A on the plus strand (G>T on the coding strand, the complement: KPNA7 is on the minus strand). VCF-style: chr7-99188431-C-A. GRCh37 (hg19) VCF-style: chr7-98786054-C-A.
Other names: short protein forms V257F.
Identifiers: ClinVar variation 1440467 (VCV001440467.5), dbSNP rs752758269, ClinGen allele CA368419831.